The following is an entry in ClinVar:

ClinVar aggregate classification (germline): Pathogenic (1 of 4 stars; one submission).

Submission:

GeneDx
Classification: Pathogenic. Last evaluated: 2024-12-17. Review status: criteria provided, single submitter. Criteria: GeneDx Variant Classification Process June 2021. Collection method: clinical testing. Allele origin: germline. Affected: yes.
Comment: In silico analysis supports that this missense variant has a deleterious effect on protein structure/function; Not observed at significant frequency in large population cohorts (gnomAD); Has not been previously published as pathogenic or benign to our knowledge; This variant is associated with the following publications: (PMID: 12070251)

NM_004380.3(CREBBP):c.4393G>C (p.Gly1465Arg)

Gene: CREBBP (CREB binding lysine acetyltransferase; minus strand). Cytogenetic location: 16p13.3.
Variant type: single nucleotide variant.
Coding change: c.4393G>C on transcript NM_004380.3 (MANE Select); coding-DNA position 4393, G replaced by C.
Protein change: p.Gly1465Arg; replaces glycine 1465 with arginine.
Molecular consequence: missense variant.
Genome position (GRCh38, 1-based): chr16:3,738,560, C>G on the plus strand (G>C on the coding strand, the complement: CREBBP is on the minus strand). VCF-style: chr16-3738560-C-G. GRCh37 (hg19) VCF-style: chr16-3788561-C-G.
Other names: c.4279G>C, p.Gly1427Arg (NM_001079846.1); short protein forms G1427R, G1465R.
Identifiers: ClinVar variation 3906509 (VCV003906509.1).
Genomic context (GRCh38, chr16:3,738,560, plus strand): 5'-AACATACAGTAAAAAATAAAGGGTTCTTACTAGTTCCAAATAATTTAATCCAAACTCACC[C>G]TAATTTCTTCACATACTCTAAATATCCAATAAGGATCTCATGGTAAACGGCTGTGCGGAG-3'
Protein context (NP_004371.2, residues 1455-1475): IGYLEYVKKL[Gly1465Arg]YVTGHIWACP